The following is an entry in ClinVar:

NC_000013.11:g.48303692_48303714del

Genes: RB1 (RB transcriptional corepressor 1; plus strand), RB1-DT (RB1 divergent transcript; minus strand). Cytogenetic location: 13q14.2.
Variant type: Deletion.
Genome position: GRCh38 VCF-style: chr13-48303689-AGCCTCGCGGACGTGACGCCGCGG-A. GRCh37 (hg19) VCF-style: chr13-48877825-AGCCTCGCGGACGTGACGCCGCGG-A.
Identifiers: ClinVar variation 2443575 (VCV002443575.11), dbSNP rs36230211, ClinGen allele CA249841992.
Genomic context (GRCh38, chr13:48,303,689, plus strand): 5'-GCGTCCCAGCCCGCGCACCGACCAGCGCCCCAGTTCCCCACAGACGCCGGCGGGCCCGGG[AGCCTCGCGGACGTGACGCCGCGG>A]GCGGAAGTGACGTTTTCCCGCGGTTGGACGCGGCGCTCAGTTGCCGGGCGGGGGAGGGCG-3'

ClinVar aggregate classification (germline): Conflicting classifications of pathogenicity. Review status: criteria provided, conflicting classifications (1 of 4 stars). 6 submissions from 6 submitters: Uncertain significance (3); Benign (1); Likely benign (2). Last evaluated 2026-06-22.

Conditions:
Hereditary cancer-predisposing syndrome. Also called: Tumor predisposition; Hereditary Cancer Syndrome; Hereditary neoplastic syndrome; Neoplastic Syndromes, Hereditary. Identifiers: Orphanet 140162, MedGen C0027672, MeSH D009386, MONDO:0015356.
RB1-related disorder. Also called: RB1-related condition.
Retinoblastoma (RB1). Also called: RETINOBLASTOMA, SOMATIC. Identifiers: Orphanet 790, MedGen C0035335, MeSH D012175, MONDO:0008380, OMIM 180200, HP:0009919. Disease mechanism: loss of function. Inheritance: Both sporadic and heritable forms are tested..

Submissions (6):

Myriad Genetics, Inc.
Classification: Likely benign for Retinoblastoma. Last evaluated: 2026-06-22. Review status: criteria provided, single submitter. Criteria: Myriad Autosomal Dominant, Autosomal Recessive and X-Linked Classification Criteria (2023). Collection method: clinical testing. Allele origin: unknown.
Comment: This variant is considered likely benign. This variant has been observed at a population frequency that is significantly greater than expected given the associated disease prevalence and penetrance.

Labcorp Genetics (formerly Invitae), Labcorp
Classification: Uncertain significance for Retinoblastoma. Last evaluated: 2025-12-22. Review status: criteria provided, single submitter. Criteria: Invitae Variant Classification Sherloc (09022015). Collection method: clinical testing. Allele origin: germline.
Comment: This variant occurs in a non-coding region of the RB1 gene. It does not change the encoded amino acid sequence of the RB1 protein. This variant is present in population databases (rs36230211, gnomAD 0.02%). This variant has not been reported in the literature in individuals affected with RB1-related conditions. Experimental studies and prediction algorithms are not available or were not evaluated, and the functional significance of this variant is currently unknown. In summary, the available evidence is currently insufficient to determine the role of this variant in disease. Therefore, it has been classified as a Variant of Uncertain Significance.

Color Diagnostics, LLC DBA Color Health
Classification: Benign for Retinoblastoma. Last evaluated: 2025-06-24. Review status: criteria provided, single submitter. Criteria: ACMG Guidelines, 2015. Collection method: clinical testing. Allele origin: germline.

Ambry Genetics
Classification: Likely benign for Hereditary cancer-predisposing syndrome. Last evaluated: 2025-03-10. Review status: criteria provided, single submitter. Criteria: Ambry Variant Classification Scheme 2023. Collection method: clinical testing. Allele origin: germline.

GeneDx
Classification: Uncertain significance. Last evaluated: 2024-09-26. Review status: criteria provided, single submitter. Criteria: GeneDx Variant Classification Process June 2021. Collection method: clinical testing. Allele origin: germline. Affected: yes.
Comment: Has not been previously published as pathogenic or benign to our knowledge; Located in a regulatory region; in the absence of functional studies, the actual effect of this sequence change is unknown

PreventionGenetics, part of Exact Sciences
Classification: Uncertain significance for RB1-related condition. Last evaluated: 2022-10-12. Review status: criteria provided, single submitter. Criteria: ACMG Guidelines, 2015. Collection method: clinical testing. Allele origin: germline.
Comment: The RB1 c.-221_-199del23 variant is located in the 5' untranslated region. To our knowledge, this variant has not been reported in the literature. This variant is reported in 0.019% of alleles in individuals of European (Non-Finnish) descent in gnomAD. Of note, variants within the RB1 promoter region have been reported in individuals with retinooblastoma (e.g. Ottaviani et al. 2013. PubMed ID: 23301675; Taylor et al. 2007. PubMed ID: 17096365). At this time, the clinical significance of this variant is uncertain due to the absence of conclusive functional and genetic evidence.